The following is an entry in ClinVar:

NM_000245.4(MET):c.1808T>A (p.Val603Asp)

Gene: MET (MET proto-oncogene, receptor tyrosine kinase; plus strand). Cytogenetic location: 7q31.2.
Variant type: single nucleotide variant.
Coding change: c.1808T>A on transcript NM_000245.4 (MANE Select); coding-DNA position 1808, T replaced by A.
Protein change: p.Val603Asp; replaces valine 603 with aspartic acid.
Molecular consequence: missense variant.
Genome position (GRCh38, 1-based): chr7:116,755,461, T>A. VCF-style: chr7-116755461-T-A. GRCh37 (hg19) VCF-style: chr7-116395515-T-A.
Other names: c.1808T>A, p.Val603Asp (NM_001127500.3, NM_001324401.3); c.518T>A, p.Val173Asp (NM_001324402.2); short protein forms V173D, V603D.
Identifiers: ClinVar variation 4053980 (VCV004053980.2).

ClinVar aggregate classification (germline): Uncertain significance (1 of 4 stars; one submission).

Conditions:
Hereditary cancer-predisposing syndrome. Also called: Neoplastic Syndromes, Hereditary; Tumor predisposition; Hereditary Cancer Syndrome; Hereditary neoplastic syndrome. Identifiers: Orphanet 140162, MedGen C0027672, MeSH D009386, MONDO:0015356.

Submission:

Ambry Genetics
Classification: Uncertain significance for Hereditary cancer-predisposing syndrome. Last evaluated: 2026-07-30. Review status: criteria provided, single submitter. Criteria: Ambry Variant Classification Scheme 2023. Collection method: clinical testing. Allele origin: germline.
Comment: The p.V603D variant (also known as c.1808T>A), located in coding exon 5 of the MET gene, results from a T to A substitution at nucleotide position 1808. The valine at codon 603 is replaced by aspartic acid, an amino acid with highly dissimilar properties. This amino acid position is highly conserved in available vertebrate species. In addition, this alteration is predicted to be deleterious by in silico analysis. Based on the available evidence, the clinical significance of this variant remains unclear.